The following is an entry in ClinVar:

NM_003802.3(MYH13):c.2117T>A (p.Ile706Asn)

Gene: MYH13 (myosin heavy chain 13; minus strand). Cytogenetic location: 17p13.1.
Variant type: single nucleotide variant.
Coding change: c.2117T>A on transcript NM_003802.3 (MANE Select); coding-DNA position 2117, T replaced by A.
Protein change: p.Ile706Asn; replaces isoleucine 706 with asparagine.
Molecular consequence: missense variant.
Genome position (GRCh38, 1-based): chr17:10,333,131, A>T on the plus strand (T>A on the coding strand, the complement: MYH13 is on the minus strand). VCF-style: chr17-10333131-A-T. GRCh37 (hg19) VCF-style: chr17-10236448-A-T.
Other names: short protein forms I706N.
Identifiers: ClinVar variation 931772 (VCV000931772.3), dbSNP rs1394139900, ClinGen allele CA398095847.
Genomic context (GRCh38, chr17:10,333,131, plus strand): 5'-TACCGCTGCTTGAAGTCAGCATAGAGGATCCGGCTGGGGAATCCCTTCCTGCAAATCCGG[A>T]TGCCCTCGAGGACCCCGTTACAGCGCAGCTGGTGCATGACCAAGTAGTGGTCCATCACAC-3'
Protein context (NP_003793.2, residues 696-716): QLRCNGVLEG[Ile706Asn]RICRKGFPSR

ClinVar aggregate classification (germline): Uncertain significance (1 of 4 stars; one submission).

Allele frequency attached by ClinVar (database versions not stated): gnomAD exomes 0.00001; TOPMed 0.00001.
gnomAD v4.1: 4 of 1,551,886 alleles (0.00026%); highest among the groups gnomAD compares: Admixed American, 0.002%; no homozygotes.

Submission:

Centre for Mendelian Genomics, University Medical Centre Ljubljana
Classification: Uncertain significance. Last evaluated: 2019-11-22. Review status: criteria provided, single submitter. Criteria: ACMG Guidelines, 2015. Collection method: clinical testing. Allele origin: unknown. Affected: yes.
Comment: This variant was classified as: Uncertain significance. The available evidence on this variant's pathogenicity is insufficient or conflicting. The following ACMG criteria were applied in classifying this variant: PP3.